The following is an entry in ClinVar:

NM_001113378.2(FANCI):c.3704C>T (p.Ala1235Val)

Gene: FANCI (FA complementation group I; plus strand). Cytogenetic location: 15q26.1.
Variant type: single nucleotide variant.
Coding change: c.3704C>T on transcript NM_001113378.2 (MANE Select); coding-DNA position 3704, C replaced by T.
Protein change: p.Ala1235Val; replaces alanine 1235 with valine.
Molecular consequence: missense variant.
Genome position (GRCh38, 1-based): chr15:89,312,956, C>T. VCF-style: chr15-89312956-C-T. GRCh37 (hg19) VCF-style: chr15-89856187-C-T.
Other names: c.3425C>T, p.Ala1142Val (NM_001376910.1); c.3704C>T, p.Ala1235Val (NM_001376911.1); c.3524C>T, p.Ala1175Val (NM_018193.3); short protein forms A1142V, A1235V, A1175V.
Identifiers: ClinVar variation 3699406 (VCV003699406.2).

ClinVar aggregate classification (germline): Uncertain significance (1 of 4 stars; one submission).

Conditions:
Fanconi anemia (FA). Also called: Fanconi's anemia. Identifiers: Orphanet 84, MedGen C0015625, MeSH D005199, MONDO:0019391.

gnomAD v4.1: 10 of 1,613,950 alleles (0.00062%); highest among the groups gnomAD compares: South Asian, 0.0099%; 1 homozygote.

Submission:

Labcorp Genetics (formerly Invitae), Labcorp
Classification: Uncertain significance for Fanconi anemia. Last evaluated: 2024-12-19. Review status: criteria provided, single submitter. Criteria: Invitae Variant Classification Sherloc (09022015). Collection method: clinical testing. Allele origin: germline.
Comment: This sequence change replaces alanine, which is neutral and non-polar, with valine, which is neutral and non-polar, at codon 1235 of the FANCI protein (p.Ala1235Val). This variant is present in population databases (rs775452691, gnomAD 0.006%). This variant has not been reported in the literature in individuals affected with FANCI-related conditions. Invitae Evidence Modeling of protein sequence and biophysical properties (such as structural, functional, and spatial information, amino acid conservation, physicochemical variation, residue mobility, and thermodynamic stability) indicates that this missense variant is not expected to disrupt FANCI protein function with a negative predictive value of 80%. In summary, the available evidence is currently insufficient to determine the role of this variant in disease. Therefore, it has been classified as a Variant of Uncertain Significance.